The following is an entry in ClinVar:

ClinVar aggregate classification (germline): Likely benign (1 of 4 stars; one submission).

Conditions:
RYR3-related disorder. Also called: RYR3-related condition.

gnomAD v4.1: 1 of 1,613,378 alleles (0.000062%); highest among the groups gnomAD compares: Non-Finnish European, 0.000085%; no homozygotes.

Submission:

PreventionGenetics, part of Exact Sciences
Classification: Likely benign for RYR3-related condition. Last evaluated: 2025-12-30. Review status: criteria provided, single submitter. Criteria: ACMG Guidelines, 2015. Collection method: clinical testing. Allele origin: germline.
Comment: This variant is classified as likely benign based on ACMG/AMP sequence variant interpretation guidelines (Richards et al. 2015 PMID: 25741868, with internal and published modifications).

NM_001036.6(RYR3):c.1386G>A (p.Lys462=)

Gene: RYR3 (ryanodine receptor 3; plus strand). Cytogenetic location: 15q14.
Variant type: single nucleotide variant.
Coding change: c.1386G>A on transcript NM_001036.6 (MANE Select); coding-DNA position 1386, G replaced by A.
Protein change: p.Lys462=; no amino-acid change (lysine 462 retained).
Molecular consequence: synonymous variant.
Genome position (GRCh38, 1-based): chr15:33,580,093, G>A. VCF-style: chr15-33580093-G-A. GRCh37 (hg19) VCF-style: chr15-33872294-G-A.
Other names: c.1386G>A, p.Lys462= (NM_001243996.4).
Identifiers: ClinVar variation 4992436 (VCV004992436.1).